The following is an entry in ClinVar:

NM_000179.3(MSH6):c.1563A>C (p.Thr521=)

Gene: MSH6 (mutS homolog 6; plus strand). Cytogenetic location: 2p16.3.
Variant type: single nucleotide variant.
Coding change: c.1563A>C on transcript NM_000179.3 (MANE Select); coding-DNA position 1563, A replaced by C.
Protein change: p.Thr521=; no amino-acid change (threonine 521 retained).
Molecular consequence: synonymous variant. On other transcripts: non-coding transcript variant (4), intron variant (1).
Genome position (GRCh38, 1-based): chr2:47,799,546, A>C. VCF-style: chr2-47799546-A-C. GRCh37 (hg19) VCF-style: chr2-48026685-A-C.
Other names: c.1173A>C, p.Thr391= (NM_001281492.2); c.657A>C, p.Thr219= (NM_001281493.2, NM_001281494.2, NM_001406811.1 and 6 more transcripts); c.1659A>C, p.Thr553= (NM_001406795.1, NM_001406802.1); c.1563A>C, p.Thr521= (NM_001406796.1, NM_001406798.1, NM_001406800.1 and 4 more transcripts); c.1266A>C, p.Thr422= (NM_001406797.1, NM_001406801.1, NM_001406805.1 and 10 more transcripts); c.1038A>C, p.Thr346= (NM_001406799.1, NM_001406806.1, NM_001406807.1); c.1485A>C, p.Thr495= (NM_001406804.1); c.1569A>C, p.Thr523= (NM_001406813.1); and 2 more.
Identifiers: ClinVar variation 3904414 (VCV003904414.1).

ClinVar aggregate classification (germline): Benign (1 of 4 stars; one submission).

Conditions:
Lynch syndrome 5 (LYNCH5). Also called: Colorectal cancer, hereditary nonpolyposis, type 5; Hereditary non-polyposis colorectal cancer, type 5. Identifiers: Orphanet 144, MedGen C1833477, MONDO:0013710, OMIM 614350. Disease mechanism: loss of function.

Submission:

Myriad Genetics, Inc.
Classification: Benign for Lynch syndrome 5. Last evaluated: 2024-12-27. Review status: criteria provided, single submitter. Criteria: Myriad Autosomal Dominant, Autosomal Recessive and X-Linked Classification Criteria (2023). Collection method: clinical testing. Allele origin: unknown.
Comment: This variant is considered benign. This variant is a silent/synonymous amino acid change and it is not expected to impact splicing.